The following is an entry in ClinVar:

NM_013280.5(FLRT1):c.443C>G (p.Ala148Gly)

Genes: FLRT1 (fibronectin leucine rich transmembrane protein 1; plus strand), MACROD1 (mono-ADP ribosylhydrolase 1; minus strand). Cytogenetic location: 11q13.1.
Variant type: single nucleotide variant.
Coding change: c.443C>G on transcript NM_013280.5 (MANE Select); coding-DNA position 443, C replaced by G.
Protein change: p.Ala148Gly; replaces alanine 148 with glycine.
Molecular consequence: missense variant. On other transcripts: intron variant (2).
Genome position (GRCh38, 1-based): chr11:64,116,710, C>G. VCF-style: chr11-64116710-C-G. GRCh37 (hg19) VCF-style: chr11-63884182-C-G.
Other names: c.443C>G, p.Ala148Gly (NM_001384466.1); c.359C>G, p.Ala120Gly (NM_001423967.1); c.517+34529G>C (NM_001411019.1, NM_014067.4); short protein forms A148G, A120G.
Identifiers: ClinVar variation 969374 (VCV000969374.3), dbSNP rs80061941, ClinGen allele CA6067479.

ClinVar aggregate classification (germline): Uncertain significance. Review status: criteria provided, multiple submitters, no conflicts (2 of 4 stars). 2 submissions from 2 submitters: Uncertain significance (2). Last evaluated 2023-05-17.

Conditions:
Peripheral neuropathy. Also called: Neuropathy. Identifiers: MedGen C0031117, MONDO:0005244, HP:0009830.

Allele frequency attached by ClinVar (database versions not stated): ExAC 0.00001; gnomAD 0.00001; TOPMed 0.00001; 1000 Genomes Project 30x 0.00016; 1000 Genomes Project 0.00020.
gnomAD v4.1: 3 of 1,613,822 alleles (0.00019%); highest among the groups gnomAD compares: East Asian, 0.0045%; no homozygotes.

Submissions (2):

Ambry Genetics
Classification: Uncertain significance. Last evaluated: 2023-05-17. Review status: criteria provided, single submitter. Criteria: Ambry Variant Classification Scheme 2023. Collection method: clinical testing. Allele origin: germline.

Labcorp Genetics (formerly Invitae), Labcorp
Classification: Uncertain significance for Neuropathy. Last evaluated: 2019-10-03. Review status: criteria provided, single submitter. Criteria: Invitae Variant Classification Sherloc (09022015). Collection method: clinical testing. Allele origin: germline.
Comment: This sequence change replaces alanine with glycine at codon 148 of the FLRT1 protein (p.Ala148Gly). The alanine residue is highly conserved and there is a small physicochemical difference between alanine and glycine. This variant is present in population databases (rs80061941, ExAC 0.01%). This variant has not been reported in the literature in individuals with FLRT1-related conditions. Algorithms developed to predict the effect of missense changes on protein structure and function are either unavailable or do not agree on the potential impact of this missense change (SIFT: "Tolerated"; PolyPhen-2: "Possibly Damaging"; Align-GVGD: "Class C0"). In summary, the available evidence is currently insufficient to determine the role of this variant in disease. Therefore, it has been classified as a Variant of Uncertain Significance.